The following is an entry in ClinVar:

ClinVar aggregate classification (germline): Likely benign (1 of 4 stars; one submission).

gnomAD v4.1: 4 of 1,613,844 alleles (0.00025%); highest among the groups gnomAD compares: South Asian, 0.0011%; no homozygotes.

Submission:

CeGaT Center for Human Genetics Tuebingen
Classification: Likely benign. Last evaluated: 2026-03-01. Review status: criteria provided, single submitter. Criteria: CeGaT Center For Human Genetics Tuebingen Variant Classification Criteria Version 2. Collection method: clinical testing. Allele origin: germline. Affected: yes. Observed: 1 variant allele.
Comment: SCAF4: BP4

NM_020706.2(SCAF4):c.1084A>G (p.Asn362Asp)

Gene: SCAF4 (SR-related CTD associated factor 4; minus strand). Cytogenetic location: 21q22.11.
Variant type: single nucleotide variant.
Coding change: c.1084A>G on transcript NM_020706.2 (MANE Select); coding-DNA position 1084, A replaced by G.
Protein change: p.Asn362Asp; replaces asparagine 362 with aspartic acid.
Molecular consequence: missense variant.
Genome position (GRCh38, 1-based): chr21:31,694,965, T>C on the plus strand (A>G on the coding strand, the complement: SCAF4 is on the minus strand). VCF-style: chr21-31694965-T-C. GRCh37 (hg19) VCF-style: chr21-33067278-T-C.
Other names: c.1039A>G, p.Asn347Asp (NM_001145444.1); c.1084A>G, p.Asn362Asp (NM_001145445.1); short protein forms N347D, N362D.
Identifiers: ClinVar variation 4822546 (VCV004822546.4).